The following is an entry in ClinVar:

ClinVar aggregate classification (germline): Uncertain significance (0 of 4 stars; one submission).

Conditions:
NUP107-related disorder. Also called: NUP107-related condition.

gnomAD v4.1: 4 of 1,613,128 alleles (0.00025%); highest among the groups gnomAD compares: African/African-American, 0.0013%; no homozygotes.

Submission:

PreventionGenetics, part of Exact Sciences
Classification: Uncertain significance for NUP107-related condition. Last evaluated: 2024-05-03. Review status: no assertion criteria provided. Collection method: clinical testing. Allele origin: germline.
Comment: The NUP107 c.2528C>T variant is predicted to result in the amino acid substitution p.Thr843Ile. To our knowledge, this variant has not been reported in the literature. This variant is reported in 0.0062% of alleles in individuals of African descent in gnomAD. At this time, the clinical significance of this variant is uncertain due to the absence of conclusive functional and genetic evidence.

NM_020401.4(NUP107):c.2528C>T (p.Thr843Ile)

Gene: NUP107 (nucleoporin 107; plus strand). Cytogenetic location: 12q15.
Variant type: single nucleotide variant.
Coding change: c.2528C>T on transcript NM_020401.4 (MANE Select); coding-DNA position 2528, C replaced by T.
Protein change: p.Thr843Ile; replaces threonine 843 with isoleucine.
Molecular consequence: missense variant.
Genome position (GRCh38, 1-based): chr12:68,741,838, C>T. VCF-style: chr12-68741838-C-T. GRCh37 (hg19) VCF-style: chr12-69135618-C-T.
Other names: c.2441C>T, p.Thr814Ile (NM_001330192.2); short protein forms T814I, T843I.
Identifiers: ClinVar variation 3344234 (VCV003344234.1).
Genomic context (GRCh38, chr12:68,741,838, plus strand): 5'-AATTGTTAAAATGATTTATTGATGTCTGTTTGTAGGATGCCAAAGAAGACCATGAAAGAA[C>T]ACATCAAATGGTCTTACTGAGAAAGCTTTGTCTGCCAATGTTGTGTTTTCTGCTTCATAC-3'
Protein context (NP_065134.1, residues 833-853): REDAKEDHER[Thr843Ile]HQMVLLRKLC